The following is an entry in ClinVar:

ClinVar aggregate classification (germline): Likely benign. Review status: criteria provided, multiple submitters, no conflicts (2 of 4 stars). 2 submissions from 2 submitters: Likely benign (2). Last evaluated 2024-08-05.

Conditions:
Werner syndrome (WRN). Identifiers: Orphanet 902, MedGen C0043119, MONDO:0010196, OMIM 277700.

Allele frequency attached by ClinVar (database versions not stated): ExAC 0.00002; gnomAD 0.00003 and 0.00004; gnomAD exomes 0.00004 and 0.00010.
gnomAD v4.1: 144 of 1,558,724 alleles (0.0092%); highest among the groups gnomAD compares: Non-Finnish European, 0.012%; no homozygotes.

Submissions (2):

Labcorp Genetics (formerly Invitae), Labcorp
Classification: Likely benign for Werner syndrome. Last evaluated: 2024-08-05. Review status: criteria provided, single submitter. Criteria: Invitae Variant Classification Sherloc (09022015). Collection method: clinical testing. Allele origin: germline.

CeGaT Center for Human Genetics Tuebingen
Classification: Likely benign. Last evaluated: 2023-09-01. Review status: criteria provided, single submitter. Criteria: CeGaT Center For Human Genetics Tuebingen Variant Classification Criteria Version 2. Collection method: clinical testing. Allele origin: germline. Affected: yes. Observed: 2 variant alleles.
Comment: WRN: BP4, BP7

NM_000553.6(WRN):c.1341G>A (p.Glu447=)

Gene: WRN (WRN RecQ like helicase; plus strand). Cytogenetic location: 8p12.
Variant type: single nucleotide variant.
Coding change: c.1341G>A on transcript NM_000553.6 (MANE Select); coding-DNA position 1341, G replaced by A.
Protein change: p.Glu447=; no amino-acid change (glutamic acid 447 retained).
Molecular consequence: synonymous variant.
Genome position (GRCh38, 1-based): chr8:31,083,770, G>A. VCF-style: chr8-31083770-G-A. GRCh37 (hg19) VCF-style: chr8-30941286-G-A.
Identifiers: ClinVar variation 528209 (VCV000528209.34), dbSNP rs200380997, ClinGen allele CA4704313.